The following is an entry in ClinVar:

NM_020975.6(RET):c.3049G>A (p.Asp1017Asn)

Gene: RET (ret proto-oncogene; plus strand). Cytogenetic location: 10q11.21.
Variant type: single nucleotide variant.
Coding change: c.3049G>A on transcript NM_020975.6 (MANE Select); coding-DNA position 3049, G replaced by A.
Protein change: p.Asp1017Asn; replaces aspartic acid 1017 with asparagine.
Molecular consequence: missense variant.
Genome position (GRCh38, 1-based): chr10:43,126,584, G>A. VCF-style: chr10-43126584-G-A. GRCh37 (hg19) VCF-style: chr10-43622032-G-A.
Other names: c.3049G>A, p.Asp1017Asn (NM_000323.2, NM_001406743.1, NM_001406744.1 and 4 more transcripts); c.2287G>A, p.Asp763Asn (NM_001355216.2); c.2920G>A, p.Asp974Asn (NM_001406761.1, NM_001406762.1, NM_001406764.1); c.2914G>A, p.Asp972Asn (NM_001406763.1, NM_001406765.1); c.2761G>A, p.Asp921Asn (NM_001406766.1, NM_001406767.1, NM_001406770.1); c.2785G>A, p.Asp929Asn (NM_001406768.1); c.2653G>A, p.Asp885Asn (NM_001406769.1, NM_001406772.1); c.2611G>A, p.Asp871Asn (NM_001406771.1, NM_001406773.1); and 10 more; short protein forms D1017N, D763N, D622N, D687N, D775N, D675N, D718N, D842N.
Identifiers: ClinVar variation 549824 (VCV000549824.11), dbSNP rs1554820153, ClinGen allele CA376558287.

ClinVar aggregate classification (germline): Uncertain significance (1 of 4 stars; one submission).

Conditions:
Multiple endocrine neoplasia, type 2 (MEN2). Identifiers: Orphanet 653, MedGen C4048306, MONDO:0019003. Disease mechanism: gain of function.

Submission:

Labcorp Genetics (formerly Invitae), Labcorp
Classification: Uncertain significance for Multiple endocrine neoplasia, type 2. Last evaluated: 2024-10-29. Review status: criteria provided, single submitter. Criteria: Invitae Variant Classification Sherloc (09022015). Collection method: clinical testing. Allele origin: germline.
Comment: This sequence change replaces aspartic acid, which is acidic and polar, with asparagine, which is neutral and polar, at codon 1017 of the RET protein (p.Asp1017Asn). This variant is not present in population databases (gnomAD no frequency). This missense change has been observed in individual(s) with familial medullary thyroid cancer (PMID: 17270543). ClinVar contains an entry for this variant (Variation ID: 549824). An algorithm developed to predict the effect of missense changes on protein structure and function (PolyPhen-2) suggests that this variant is likely to be disruptive. Experimental studies are conflicting or provide insufficient evidence to determine the effect of this variant on RET function (PMID: 10921886). In summary, the available evidence is currently insufficient to determine the role of this variant in disease. Therefore, it has been classified as a Variant of Uncertain Significance.

Literature cited by the submitters: PubMed 17270543; PubMed 10921886.